The following is an entry in ClinVar:

ClinVar aggregate classification (germline): Uncertain significance. Review status: criteria provided, multiple submitters, no conflicts (2 of 4 stars). 2 submissions from 2 submitters: Uncertain significance (2). Last evaluated 2023-12-17.

Conditions:
ENPP1-related disorder. Also called: ENPP1-related disorders; ENPP1-related condition.

Submissions (2):

Labcorp Genetics (formerly Invitae), Labcorp
Classification: Uncertain significance. Last evaluated: 2023-12-17. Review status: criteria provided, single submitter. Criteria: Invitae Variant Classification Sherloc (09022015). Collection method: clinical testing. Allele origin: germline.
Comment: This sequence change replaces aspartic acid, which is acidic and polar, with tyrosine, which is neutral and polar, at codon 30 of the ENPP1 protein (p.Asp30Tyr). The frequency data for this variant in the population databases is considered unreliable, as metrics indicate insufficient coverage at this position in the gnomAD database. This variant has not been reported in the literature in individuals affected with ENPP1-related conditions. ClinVar contains an entry for this variant (Variation ID: 2635743). An algorithm developed to predict the effect of missense changes on protein structure and function (PolyPhen-2) suggests that this variant is likely to be disruptive. In summary, the available evidence is currently insufficient to determine the role of this variant in disease. Therefore, it has been classified as a Variant of Uncertain Significance.

PreventionGenetics, part of Exact Sciences
Classification: Uncertain significance for ENPP1-related condition. Last evaluated: 2022-11-22. Review status: criteria provided, single submitter. Criteria: ACMG Guidelines, 2015. Collection method: clinical testing. Allele origin: germline.
Comment: The ENPP1 c.88G>T variant is predicted to result in the amino acid substitution p.Asp30Tyr. To our knowledge, this variant has not been reported in the literature or in a large population database, indicating this variant is rare. At this time, the clinical significance of this variant is uncertain due to the absence of conclusive functional and genetic evidence.

NM_006208.3(ENPP1):c.88G>T (p.Asp30Tyr)

Gene: ENPP1 (ectonucleotide pyrophosphatase/phosphodiesterase 1; plus strand). Cytogenetic location: 6q23.2.
Variant type: single nucleotide variant.
Coding change: c.88G>T on transcript NM_006208.3 (MANE Select); coding-DNA position 88, G replaced by T.
Protein change: p.Asp30Tyr; replaces aspartic acid 30 with tyrosine.
Molecular consequence: missense variant.
Genome position (GRCh38, 1-based): chr6:131,808,123, G>T. VCF-style: chr6-131808123-G-T. GRCh37 (hg19) VCF-style: chr6-132129263-G-T.
Other names: short protein forms D30Y.
Identifiers: ClinVar variation 2635743 (VCV002635743.4), dbSNP rs2483385382, ClinGen allele CA365661535.